The following is an entry in ClinVar:

NM_007375.4(TARDBP):c.1144G>A (p.Ala382Thr)

Gene: TARDBP (TAR DNA binding protein; plus strand). Cytogenetic location: 1p36.22.
Variant type: single nucleotide variant.
Coding change: c.1144G>A on transcript NM_007375.4 (MANE Select); coding-DNA position 1144, G replaced by A.
Protein change: p.Ala382Thr; replaces alanine 382 with threonine.
Molecular consequence: missense variant.
Genome position (GRCh38, 1-based): chr1:11,022,553, G>A. VCF-style: chr1-11022553-G-A. GRCh37 (hg19) VCF-style: chr1-11082610-G-A.
Other names: A382T.
Identifiers: ClinVar variation 21474 (VCV000021474.41), dbSNP rs367543041, ClinGen allele CA150788.

ClinVar aggregate classification (germline): Pathogenic/Likely pathogenic. Review status: criteria provided, multiple submitters, no conflicts (2 of 4 stars). 9 submissions from 8 submitters: Pathogenic (4); Likely pathogenic (2). 3 of the submissions do not count toward it. Last evaluated 2026-03-03.

Conditions:
TARDBP-related disorder. Also called: TARDBP-related condition.
Amyotrophic lateral sclerosis type 10 (ALS10). Also called: TARDBP-Related Amyotrophic Lateral Sclerosis-Frontotemporal Dementia; AMYOTROPHIC LATERAL SCLEROSIS 10 WITHOUT FRONTOTEMPORAL DEMENTIA AND WITH TDP43 INCLUSIONS; AMYOTROPHIC LATERAL SCLEROSIS 10 WITH OR WITHOUT FRONTOTEMPORAL DEMENTIA AND WITH TDP43 INCLUSIONS; Amyotrophic lateral sclerosis 10, with or without FTD; AMYOTROPHIC LATERAL SCLEROSIS 10 WITH OR WITHOUT FRONTOTEMPORAL DEMENTIA. Identifiers: Orphanet 275872, Orphanet 803, MedGen C2677565, MONDO:0012790, OMIM 612069.
FRONTOTEMPORAL LOBAR DEGENERATION WITH TDP43 INCLUSIONS, TARDBP-RELATED. Also called: Frontotemporal lobar degeneration, TARDBP-related. Identifiers: MedGen C3150169, OMIM 612069.
FRONTOTEMPORAL DEMENTIA WITH TDP43 INCLUSIONS, TARDBP-RELATED. Identifiers: MedGen C3148872, OMIM 612069.

Allele frequency attached by ClinVar (database versions not stated): gnomAD exomes 0.00003 and below 0.00001; TOPMed 0.00001.
gnomAD v4.1: 3 of 1,581,016 alleles (0.00019%); highest among the groups gnomAD compares: Non-Finnish European, 0.00026%; no homozygotes.

Submissions (9):

PreventionGenetics, part of Exact Sciences
Classification: Pathogenic for TARDBP-related condition. Last evaluated: 2026-03-03. Review status: criteria provided, single submitter. Criteria: ACMG Guidelines, 2015. Collection method: clinical testing. Allele origin: germline.
Comment: The TARDBP c.1144G>A variant is predicted to result in the amino acid substitution p.Ala382Thr. This variant has been reported to be causative for amyotrophic lateral sclerosis and/or frontotemporal dementia (ALS/FTD, Kabashi et al. 2008. PubMed ID: 18372902; ; Corrado et al. 2009. PubMed ID: 19224587; Chiò et al. 2010. PubMed ID: 20697052) and has been noted to be a founder variant in Sardinia associated with reduced penetrance (Jih et al. 2025. PubMed ID: 40373480). A mouse model showed that although this variant is associated with normal viability and protein localization, the variant was noted to cause progressive synaptic degeneration and dysfunction (Lépine et al. 2024. PubMed ID: 38433895). This variant is located within the conserved C-terminal region of TARDBP, where missense change is not expected to be tolerated and is considered a hot spot for ALS-causing variants (Tiloca et al. 2022. PubMed ID: 36247987). This variant is reported in 0.0066% of alleles in individuals of European (non-Finnish) descent in gnomAD and has been classified as pathogenic or likely pathogenic in ClinVar (Variation ID: 21474). This variant is interpreted as pathogenic.

Labcorp Genetics (formerly Invitae), Labcorp
Classification: Pathogenic for Amyotrophic lateral sclerosis type 10; FRONTOTEMPORAL LOBAR DEGENERATION WITH TDP43 INCLUSIONS, TARDBP-RELATED. Last evaluated: 2025-07-05. Review status: criteria provided, single submitter. Criteria: Invitae Variant Classification Sherloc (09022015). Collection method: clinical testing. Allele origin: germline.
Comment: This sequence change replaces alanine, which is neutral and non-polar, with threonine, which is neutral and polar, at codon 382 of the TARDBP protein (p.Ala382Thr). This variant is present in population databases (rs367543041, gnomAD 0.008%). This missense change has been observed in individuals with amyotrophic lateral sclerosis (PMID: 21220647, 21651514, 25792239, 32951934). ClinVar contains an entry for this variant (Variation ID: 21474). An algorithm developed to predict the effect of missense changes on protein structure and function (PolyPhen-2) suggests that this variant is likely to be tolerated. Experimental studies have shown that this missense change affects TARDBP function (PMID: 19959528). For these reasons, this variant has been classified as Pathogenic.

Variantyx, Inc.
Classification: Pathogenic for Amyotrophic lateral sclerosis type 10. Last evaluated: 2025-05-20. Review status: criteria provided, single submitter. Criteria: Variantyx Assertion Criteria 2022. Collection method: clinical testing. Allele origin: germline. Inheritance: Autosomal dominant inheritance. Affected: yes.
Comment: This is a nonsynonymous variant in the TARDBP gene (OMIM: 605078). Pathogenic variants in this gene have been associated with autosomal dominant amyotrophic lateral sclerosis 10 with or without frontotemporal dementia. This is an established founder variant in the Sardinian population (PMID:21220647, 21418058, 25123918) (PS4). This variant has been reported in the heterozygous state in many unrelated affected individual(s) (PMID: 20697052, 21667065, 23546887, 24300238) and it has been observed to segregate with disease in at least 6 individuals from 3 families (PMID: 20697052) (PP1). While computational algorithms produce conflicting evidence regarding the predicted functional impact of this variant (REVEL score: 0.518), functional studies have shown that this variant alters TARDBP protein function (PMID: 19959528, 20806063) (PS3). This variant has a 0.0003% maximum allele frequency in non-founder control populations (PM2). . Based on the current evidence, this variant is classified as pathogenic for autosomal dominant amyotrophic lateral sclerosis 10 with or without frontotemporal dementia.Inter- and intrafamilial clinical variability has been described (PMID: 20697052).

CeGaT Center for Human Genetics Tuebingen
Classification: Pathogenic. Last evaluated: 2022-08-01. Review status: criteria provided, single submitter. Criteria: CeGaT Center For Human Genetics Tuebingen Variant Classification Criteria Version 2. Collection method: clinical testing. Allele origin: germline. Affected: yes. Observed: 1 variant allele.
Comment: TARDBP: PP1:Strong, PM1, PM2, PS4:Moderate, PP2

Suna and Inan Kirac Foundation Neurodegeneration Research Laboratory, Koc University
Classification: Likely pathogenic for Amyotrophic lateral sclerosis type 10. Last evaluated: 2020-03-31. Review status: criteria provided, single submitter. Criteria: ACMG Guidelines, 2015. Collection method: research. Allele origin: germline. Affected: yes. Observed: 1 variant allele.

GeneDx
Classification: Likely pathogenic. Last evaluated: 2016-06-22. Review status: criteria provided, single submitter. Criteria: GeneDx Variant Classification (06012015). Collection method: clinical testing. Allele origin: germline. Affected: yes.
Comment: The A382T variant in the TARDBP gene was originally reported as a pathogenic variant in two French individuals with personal and family histories of amyotrophic sclerosis (ALS) (Kabashi et al., 2008). This variant has since been reported in association with both familial and sporadic ALS and has also been identified in individuals with frontotemporal lobe dementia with or without motor neuron disease (Chio et al., 2010; Chio et al., 2011; Quadei et al., 2011). In addition, the A382T variant has been reported in individuals with a clinical diagnosis of Parkinson disease (Quadri et al., 2011). Although the precise disease mechanism is unclear, functional studies indicate that expression of the A382T variant protein results in cellular toxicity of motor neurons (Kabashi et al., 2010; Watanabe et al., 2013). Missense variants in nearby residues (N378D, N378S, S379P, S379C, A382P, I383V, G384R, W385G, N390D) have been reported in the Human Gene Mutation Database in association with amyotrophic lateral sclerosis (Stenson et al., 2014), supporting the functional importance of this region of the protein. The A382T variant was not observed in approximately 6500 individuals of European and African American ancestry in the NHLBI Exome Sequencing Project, indicating it is not a common benign variant in these populations. The A382T variant is a non-conservative amino acid substitution, which is likely to impact secondary protein structure as these residues differ in polarity, charge, size and/or other properties. This substitution occurs at a position that is not conserved across species. In silico analysis predicts this variant likely does not alter the protein structure/function. The A382T variant is a strong candidate for a pathogenic variant, however the possibility it may be a rare benign variant cannot be excluded.

OMIM
Classification: Pathogenic for AMYOTROPHIC LATERAL SCLEROSIS 10 WITH OR WITHOUT FRONTOTEMPORAL DEMENTIA AND WITH TDP43 INCLUSIONS. Last evaluated: 2011-05-01. Review status: no assertion criteria provided. Collection method: literature only. Allele origin: germline. Not counted in ClinVar's aggregate classification.

OMIM
Classification: Pathogenic for FRONTOTEMPORAL DEMENTIA WITH TDP43 INCLUSIONS, TARDBP-RELATED. Last evaluated: 2011-05-01. Review status: no assertion criteria provided. Collection method: literature only. Allele origin: germline. Not counted in ClinVar's aggregate classification.

GeneReviews
No classification provided. Condition: Amyotrophic lateral sclerosis type 10. Review status: no classification provided. Collection method: literature only. Allele origin: germline. Affected: yes. Not counted in ClinVar's aggregate classification.
Comment: Identified in both FALS and SALS. Familial and simplex cases share founder haplotype.

Literature cited by the submitters: PubMed 21220647 (cited by Labcorp Genetics (formerly Invitae), Labcorp and OMIM); PubMed 21651514 (cited by Labcorp Genetics (formerly Invitae), Labcorp); PubMed 25792239 (cited by Labcorp Genetics (formerly Invitae), Labcorp); PubMed 32951934 (cited by Labcorp Genetics (formerly Invitae), Labcorp); PubMed 19959528 (cited by Labcorp Genetics (formerly Invitae), Labcorp and Variantyx, Inc.); PubMed 20806063 (cited by Variantyx, Inc.); PubMed 20697052 (cited by Variantyx, Inc. and OMIM); PubMed 19224587 (cited by OMIM); NCBI Bookshelf NBK5942 (cited by GeneReviews).